The following is an entry in ClinVar:

ClinVar aggregate classification (germline): Uncertain significance. Review status: criteria provided, multiple submitters, no conflicts (2 of 4 stars). 2 submissions from 2 submitters: Uncertain significance (2). Last evaluated 2025-07-31.

Conditions:
Chédiak-Higashi syndrome (CHS). Also called: Chediak-Higashi Syndrome. Identifiers: Orphanet 167, MedGen C0007965, MONDO:0008963, OMIM 214500.
Inborn genetic diseases. Identifiers: MedGen C0950123, MeSH D030342.

Allele frequency attached by ClinVar (database versions not stated): TOPMed below 0.00001.

Submissions (2):

Ambry Genetics
Classification: Uncertain significance for Inborn genetic diseases. Last evaluated: 2025-07-31. Review status: criteria provided, single submitter. Criteria: Ambry Variant Classification Scheme 2023. Collection method: clinical testing. Allele origin: germline.

Labcorp Genetics (formerly Invitae), Labcorp
Classification: Uncertain significance for Chédiak-Higashi syndrome. Last evaluated: 2022-10-01. Review status: criteria provided, single submitter. Criteria: Invitae Variant Classification Sherloc (09022015). Collection method: clinical testing. Allele origin: germline.
Comment: This sequence change replaces aspartic acid, which is acidic and polar, with asparagine, which is neutral and polar, at codon 1901 of the LYST protein (p.Asp1901Asn). This variant is not present in population databases (gnomAD no frequency). This variant has not been reported in the literature in individuals affected with LYST-related conditions. Advanced modeling of protein sequence and biophysical properties (such as structural, functional, and spatial information, amino acid conservation, physicochemical variation, residue mobility, and thermodynamic stability) performed at Invitae indicates that this missense variant is not expected to disrupt LYST protein function. In summary, the available evidence is currently insufficient to determine the role of this variant in disease. Therefore, it has been classified as a Variant of Uncertain Significance.

NM_000081.4(LYST):c.5701G>A (p.Asp1901Asn)

Gene: LYST (lysosomal trafficking regulator; minus strand). Cytogenetic location: 1q42.3.
Variant type: single nucleotide variant.
Coding change: c.5701G>A on transcript NM_000081.4 (MANE Select); coding-DNA position 5701, G replaced by A.
Protein change: p.Asp1901Asn; replaces aspartic acid 1901 with asparagine.
Molecular consequence: missense variant.
Genome position (GRCh38, 1-based): chr1:235,773,925, C>T on the plus strand (G>A on the coding strand, the complement: LYST is on the minus strand). VCF-style: chr1-235773925-C-T. GRCh37 (hg19) VCF-style: chr1-235937225-C-T.
Other names: c.5701G>A (NM_000081.2); c.5701G>A, p.Asp1901Asn (NM_001301365.1); short protein forms D1901N.
Identifiers: ClinVar variation 1720798 (VCV001720798.4), dbSNP rs1668960381, ClinGen allele CA344950490.